The following is an entry in ClinVar:

ClinVar aggregate classification (germline): Conflicting classifications of pathogenicity. Review status: criteria provided, conflicting classifications (1 of 4 stars). 5 submissions from 5 submitters: Uncertain significance (1); Likely benign (3). 1 of the submissions does not count toward it. Last evaluated 2026-01-28.

Conditions:
Epidermolysis bullosa dystrophica. Also called: Dystrophic epidermolysis bullosa, Hallopeau-Siemens type (formerly); Dystrophic epidermolysis bullosa. Identifiers: Orphanet 303, MedGen C0079294, MONDO:0006543.
Epidermolysis bullosa dystrophica inversa, autosomal recessive. Identifiers: MedGen C2673612.

Allele frequency attached by ClinVar (database versions not stated): ESP Exome Variant Server 0.00023; TOPMed 0.00057.
gnomAD v4.1: 882 of 1,609,644 alleles (0.055%); highest among the groups gnomAD compares: Admixed American, 0.11%; no homozygotes.

Submissions (5):

Labcorp Genetics (formerly Invitae), Labcorp
Classification: Likely benign. Last evaluated: 2026-01-28. Review status: criteria provided, single submitter. Criteria: Invitae Variant Classification Sherloc (09022015). Collection method: clinical testing. Allele origin: germline.

Blueprint Genetics
Classification: Likely benign. Last evaluated: 2024-09-20. Review status: criteria provided, single submitter. Criteria: ACMG Guidelines, 2015. Collection method: clinical testing. Allele origin: germline.

CeGaT Center for Human Genetics Tuebingen
Classification: Likely benign. Last evaluated: 2023-01-01. Review status: criteria provided, single submitter. Criteria: CeGaT Center For Human Genetics Tuebingen Variant Classification Criteria Version 2. Collection method: clinical testing. Allele origin: germline. Affected: yes. Observed: 1 variant allele.
Comment: COL7A1: BP4, BP7

Illumina Laboratory Services, Illumina
Classification: Uncertain significance for Dystrophic epidermolysis bullosa. Last evaluated: 2018-01-12. Review status: criteria provided, single submitter. Criteria: ICSL Variant Classification Criteria 13 December 2019. Collection method: clinical testing. Allele origin: germline.

Natera, Inc.
Classification: Likely benign for Autosomal recessive epidermolysis bullosa dystrophica inversa. Last evaluated: 2020-01-09. Review status: no assertion criteria provided. Collection method: clinical testing. Allele origin: germline. Not counted in ClinVar's aggregate classification.

NM_000094.4(COL7A1):c.5058C>T (p.Ser1686=)

Gene: COL7A1 (collagen type VII alpha 1 chain; minus strand). Cytogenetic location: 3p21.31.
Variant type: single nucleotide variant.
Coding change: c.5058C>T on transcript NM_000094.4 (MANE Select); coding-DNA position 5058, C replaced by T.
Protein change: p.Ser1686=; no amino-acid change (serine 1686 retained).
Molecular consequence: synonymous variant.
Genome position (GRCh38, 1-based): chr3:48,580,339, G>A on the plus strand (C>T on the coding strand, the complement: COL7A1 is on the minus strand). VCF-style: chr3-48580339-G-A. GRCh37 (hg19) VCF-style: chr3-48617772-G-A.
Identifiers: ClinVar variation 734455 (VCV000734455.39), dbSNP rs144700737, ClinGen allele CA2379687.